The following is an entry in ClinVar:

ClinVar aggregate classification (germline): Uncertain significance (1 of 4 stars; one submission).

Conditions:
Mevalonic aciduria (MEVA). Identifiers: Orphanet 29, MedGen C1959626, MONDO:0012481, OMIM 610377.
Porokeratosis 3, disseminated superficial actinic type (POROK3). Also called: POROKERATOSIS, DISSEMINATED SUPERFICIAL ACTINIC, 1; POROKERATOSIS 3, MULTIPLE TYPES; POROKERATOSIS 3, MIBELLI TYPE. Identifiers: MedGen C1867981, MONDO:0008293, OMIM 175900.
Hyperimmunoglobulin D with periodic fever (HIDS). Also called: Hyperimmunoglobulinemia D; HYPERIMMUNOGLOBULINEMIA D AND PERIODIC FEVER SYNDROME; Hyperimmunoglobulinemia D with periodic fever. Identifiers: Orphanet 343, MedGen C0398691, MONDO:0009849, OMIM 260920.

Submission:

Labcorp Genetics (formerly Invitae), Labcorp
Classification: Uncertain significance for Mevalonic aciduria; Hyperimmunoglobulin D with periodic fever; Porokeratosis 3, disseminated superficial actinic type. Last evaluated: 2021-10-05. Review status: criteria provided, single submitter. Criteria: Invitae Variant Classification Sherloc (09022015). Collection method: clinical testing. Allele origin: germline.
Comment: This sequence change replaces alanine with aspartic acid at codon 270 of the MVK protein (p.Ala270Asp). The alanine residue is moderately conserved and there is a moderate physicochemical difference between alanine and aspartic acid. This variant is not present in population databases (ExAC no frequency). This variant has not been reported in the literature in individuals affected with MVK-related conditions. Advanced modeling of protein sequence and biophysical properties (such as structural, functional, and spatial information, amino acid conservation, physicochemical variation, residue mobility, and thermodynamic stability) performed at Invitae indicates that this missense variant is expected to disrupt MVK protein function. In summary, the available evidence is currently insufficient to determine the role of this variant in disease. Therefore, it has been classified as a Variant of Uncertain Significance.

NM_000431.4(MVK):c.809C>A (p.Ala270Asp)

Gene: MVK (mevalonate kinase; plus strand). Cytogenetic location: 12q24.11.
Variant type: single nucleotide variant.
Coding change: c.809C>A on transcript NM_000431.4 (MANE Select); coding-DNA position 809, C replaced by A.
Protein change: p.Ala270Asp; replaces alanine 270 with aspartic acid.
Molecular consequence: missense variant.
Genome position (GRCh38, 1-based): chr12:109,591,281, C>A. VCF-style: chr12-109591281-C-A. GRCh37 (hg19) VCF-style: chr12-110029086-C-A.
Other names: c.809C>A, p.Ala270Asp (NM_001114185.3); c.653C>A, p.Ala218Asp (NM_001301182.2); short protein forms A270D, A218D.
Identifiers: ClinVar variation 1522990 (VCV001522990.6), dbSNP rs866006959, ClinGen allele CA386649350.